The following is an entry in ClinVar:

NM_001655.5(ARCN1):c.1316A>T (p.Glu439Val)

Gene: ARCN1 (archain 1 coat protein complex I subunit delta; plus strand). Cytogenetic location: 11q23.3.
Variant type: single nucleotide variant.
Coding change: c.1316A>T on transcript NM_001655.5 (MANE Select); coding-DNA position 1316, A replaced by T.
Protein change: p.Glu439Val; replaces glutamic acid 439 with valine.
Molecular consequence: missense variant. On other transcripts: non-coding transcript variant (2), intron variant (3).
Genome position (GRCh38, 1-based): chr11:118,597,781, A>T. VCF-style: chr11-118597781-A-T. GRCh37 (hg19) VCF-style: chr11-118468496-A-T.
Other names: c.1052A>T, p.Glu351Val (NM_001142281.2); c.1379A>T, p.Glu460Val (NM_001425073.1); c.1313A>T, p.Glu438Val (NM_001425074.1); c.1259A>T, p.Glu420Val (NM_001425075.1); c.1247A>T, p.Glu416Val (NM_001425076.1); c.1151A>T, p.Glu384Val (NM_001425077.1); c.872A>T, p.Glu291Val (NM_001425080.1); c.1242-2844A>T (NM_001425078.1); and 2 more; short protein forms E439V, E384V, E291V, E351V, E416V, E420V, E438V, E460V.
Identifiers: ClinVar variation 5029124 (VCV005029124.1).

ClinVar aggregate classification (germline): Uncertain significance (1 of 4 stars; one submission).

Conditions:
Inborn genetic diseases. Identifiers: MedGen C0950123, MeSH D030342.

gnomAD v4.1: 2 of 1,614,122 alleles (0.00012%); highest among the groups gnomAD compares: South Asian, 0.0022%; no homozygotes.

Submission:

Ambry Genetics
Classification: Uncertain significance for Inborn genetic diseases. Last evaluated: 2026-08-04. Review status: criteria provided, single submitter. Criteria: Ambry Variant Classification Scheme 2023. Collection method: clinical testing. Allele origin: germline.
Comment: The c.1316A>T (p.E439V) alteration is located in exon 9 (coding exon 9) of the ARCN1 gene. This alteration results from a A to T substitution at nucleotide position 1316, causing the glutamic acid (E) at amino acid position 439 to be replaced by a valine (V). Based on data from gnomAD, the T allele has an overall frequency of <0.001% (1/251474) total alleles studied. The highest observed frequency was 0.003% (1/30616) of South Asian alleles. Based on insufficient or conflicting evidence, the clinical significance of this alteration remains unclear.